The following is an entry in ClinVar:

ClinVar aggregate classification (germline): Uncertain significance. Review status: criteria provided, multiple submitters, no conflicts (2 of 4 stars). 4 submissions from 4 submitters: Uncertain significance (4). Last evaluated 2025-01-06.

Conditions:
Hereditary cancer-predisposing syndrome. Also called: Tumor predisposition; Hereditary Cancer Syndrome; Hereditary neoplastic syndrome; Neoplastic Syndromes, Hereditary. Identifiers: Orphanet 140162, MedGen C0027672, MeSH D009386, MONDO:0015356.
Hereditary breast ovarian cancer syndrome. Also called: Breast and ovarian cancer; Hereditary breast and ovarian cancer syndrome; Hereditary breast and ovarian cancer; BRCA1- and BRCA2-Associated Hereditary Breast and Ovarian Cancer; Hereditary breast and ovarian cancer syndrome (HBOC); Hereditary breast and/or ovarian cancer syndrome. Identifiers: Orphanet 145, MedGen C0677776, MeSH D061325, MONDO:0003582. Disease mechanism: loss of function.
Breast-ovarian cancer, familial, susceptibility to, 2 (BROVCA2). Also called: BRCA2 Hereditary Breast and Ovarian Cancer. Identifiers: Orphanet 145, MedGen C2675520, MONDO:0012933, OMIM 612555. Disease mechanism: loss of function.

gnomAD v4.1: 1 of 1,613,852 alleles (0.000062%); highest among the groups gnomAD compares: Non-Finnish European, 0.000085%; no homozygotes.

Submissions (4):

Labcorp Genetics (formerly Invitae), Labcorp
Classification: Uncertain significance for Hereditary breast ovarian cancer syndrome. Last evaluated: 2025-01-06. Review status: criteria provided, single submitter. Criteria: Invitae Variant Classification Sherloc (09022015). Collection method: clinical testing. Allele origin: germline.
Comment: This sequence change replaces threonine, which is neutral and polar, with arginine, which is basic and polar, at codon 3413 of the BRCA2 protein (p.Thr3413Arg). This variant is not present in population databases (gnomAD no frequency). This variant has not been reported in the literature in individuals affected with BRCA2-related conditions. ClinVar contains an entry for this variant (Variation ID: 182276). Invitae Evidence Modeling of protein sequence and biophysical properties (such as structural, functional, and spatial information, amino acid conservation, physicochemical variation, residue mobility, and thermodynamic stability) indicates that this missense variant is not expected to disrupt BRCA2 protein function with a negative predictive value of 95%. In summary, the available evidence is currently insufficient to determine the role of this variant in disease. Therefore, it has been classified as a Variant of Uncertain Significance.

Ambry Genetics
Classification: Uncertain significance for Hereditary cancer-predisposing syndrome. Last evaluated: 2024-02-01. Review status: criteria provided, single submitter. Criteria: Ambry Variant Classification Scheme 2023. Collection method: clinical testing. Allele origin: germline.
Comment: The p.T3413R variant (also known as c.10238C>G), located in coding exon 26 of the BRCA2 gene, results from a C to G substitution at nucleotide position 10238. The threonine at codon 3413 is replaced by arginine, an amino acid with similar properties. This amino acid position is poorly conserved in available vertebrate species. In addition, this alteration is predicted to be tolerated by in silico analysis. Since supporting evidence is limited at this time, the clinical significance of this alteration remains unclear.

All of Us Research Program, National Institutes of Health
Classification: Uncertain significance for Breast-ovarian cancer, familial, susceptibility to, 2. Last evaluated: 2023-06-26. Review status: criteria provided, single submitter. Criteria: ACMG Guidelines, 2015. Collection method: clinical testing. Allele origin: germline. Inheritance: Autosomal dominant inheritance. Observed: 1 variant allele, 1 heterozygote.
Comment: This missense variant replaces threonine with arginine at codon 3413 of the BRCA2 protein. Computational prediction suggests that this variant may not impact protein structure and function (internally defined REVEL score threshold <= 0.5, PMID: 27666373). To our knowledge, functional studies have not been reported for this variant. This variant has not been reported in individuals affected with hereditary cancer in the literature. This variant has not been identified in the general population by the Genome Aggregation Database (gnomAD). The available evidence is insufficient to determine the role of this variant in disease conclusively. Therefore, this variant is classified as a Variant of Uncertain Significance.

This study involves interpretation of variants in research participants for the purpose of population health screening. Participant phenotype was not available at the time of variant classification. Additional details can be found in publication PMID: 35346344, PMCID: PMC8962531

GeneDx
Classification: Uncertain significance. Last evaluated: 2014-01-13. Review status: criteria provided, single submitter. Criteria: GeneDx Variant Classification (06012015). Collection method: clinical testing. Allele origin: germline. Affected: yes.
Comment: This variant is denoted BRCA2 c.10238C>G at the cDNA level, p.Thr3413Arg (T3413R) at the protein level, and results in the change of a Threonine to an Arginine (ACA>AGA). This variant has not, to our knowledge, been published in the literature as pathogenic or benign. BRCA2 Thr3413Arg was not observed in approximately 6,500 individuals of European and African American ancestry in the NHLBI Exome Sequencing Project, indicating it is not a common benign variant in these populations. This variant is a semi-conservative substitution in which a neutral polar amino acid is replaced with a positive polar one, altering a position that is highly variable throughout evolution and is not located in a known functional domain. In silico analyses are inconsistent with regard to the effect this variant may have on protein structure and function. Based on the currently available information, we consider BRCA2 Thr3413Arg to be a variant of uncertain significance.

NM_000059.4(BRCA2):c.10238C>G (p.Thr3413Arg)

Gene: BRCA2 (BRCA2 DNA repair associated; plus strand). Cytogenetic location: 13q13.1.
Variant type: single nucleotide variant.
Coding change: c.10238C>G on transcript NM_000059.4 (MANE Select); coding-DNA position 10238, C replaced by G.
Protein change: p.Thr3413Arg; replaces threonine 3413 with arginine.
Molecular consequence: missense variant.
Genome position (GRCh38, 1-based): chr13:32,398,751, C>G. VCF-style: chr13-32398751-C-G. GRCh37 (hg19) VCF-style: chr13-32972888-C-G.
Other names: p.T3413R:ACA>AGA; short protein forms T3413R.
Identifiers: ClinVar variation 182276 (VCV000182276.12), dbSNP rs730881584, ClinGen allele CA010546.